The following is an entry in ClinVar:

NM_004370.6(COL12A1):c.7854G>C (p.Thr2618=)

Gene: COL12A1 (collagen type XII alpha 1 chain; minus strand). Cytogenetic location: 6q13.
Variant type: single nucleotide variant.
Coding change: c.7854G>C on transcript NM_004370.6 (MANE Select); coding-DNA position 7854, G replaced by C.
Protein change: p.Thr2618=; no amino-acid change (threonine 2618 retained).
Molecular consequence: synonymous variant.
Genome position (GRCh38, 1-based): chr6:75,113,300, C>G on the plus strand (G>C on the coding strand, the complement: COL12A1 is on the minus strand). VCF-style: chr6-75113300-C-G. GRCh37 (hg19) VCF-style: chr6-75823016-C-G.
Other names: p.Thr2618=; c.4362G>C, p.Thr1454= (NM_080645.3).
Identifiers: ClinVar variation 542512 (VCV000542512.44), dbSNP rs190984968, ClinGen allele CA3892438.
Genomic context (GRCh38, chr6:75,113,300, plus strand): 5'-TTCTGTGTCAAATGTAACAGTTTGCACCTCGCCTCTTGTATCCTTGTTAAAGAATGATAA[C>G]GTCTTGCTAGAAGCTGTAATCAACATAAAAGTGTTATTAAATCATATGCATTGTATAATT-3'
Protein context (NP_004361.3, residues 2608-2628): VGVIADPSSK[Thr2618=]LSFFNKDTRG

ClinVar aggregate classification (germline): Likely benign. Review status: criteria provided, multiple submitters, no conflicts (2 of 4 stars). 8 submissions from 8 submitters: Likely benign (7). 1 of the submissions does not count toward it. Last evaluated 2026-02-01.

Conditions:
COL12A1-related disorder. Also called: COL12A1-related condition.
Ullrich congenital muscular dystrophy 2 (UCMD2). Identifiers: Orphanet 75840, MedGen C4225314, MONDO:0014654, OMIM 616470.
Bethlem myopathy 2 (BTHLM2). Identifiers: Orphanet 536516, Orphanet 610, MedGen C4225313, MONDO:0034022, OMIM 616471.

Allele frequency attached by ClinVar (database versions not stated): ESP Exome Variant Server 0.00009; gnomAD 0.00010; TOPMed 0.00019; 1000 Genomes Project 30x 0.00031; 1000 Genomes Project 0.00040.

Submissions (8):

Labcorp Genetics (formerly Invitae), Labcorp
Classification: Likely benign for Bethlem myopathy 2; Ullrich congenital muscular dystrophy 2. Last evaluated: 2026-02-01. Review status: criteria provided, single submitter. Criteria: Invitae Variant Classification Sherloc (09022015). Collection method: clinical testing. Allele origin: germline.

Women's Health and Genetics/Laboratory Corporation of America, LabCorp
Classification: Likely benign. Last evaluated: 2025-07-22. Review status: criteria provided, single submitter. Criteria: LabCorp Variant Classification Summary - May 2015. Collection method: clinical testing. Allele origin: germline.

CeGaT Center for Human Genetics Tuebingen
Classification: Likely benign. Last evaluated: 2025-03-01. Review status: criteria provided, single submitter. Criteria: CeGaT Center For Human Genetics Tuebingen Variant Classification Criteria Version 2. Collection method: clinical testing. Allele origin: germline. Affected: yes. Observed: 2 variant alleles.
Comment: COL12A1: BP4, BP7

Mayo Clinic Laboratories, Mayo Clinic
Classification: Likely benign. Last evaluated: 2025-02-24. Review status: criteria provided, single submitter. Criteria: ACMG Guidelines, 2015. Collection method: clinical testing. Allele origin: germline. Observed: 3 variant alleles.
Comment: BS1, BP4, BP7

Blueprint Genetics
Classification: Likely benign. Last evaluated: 2024-11-06. Review status: criteria provided, single submitter. Criteria: ACMG Guidelines, 2015. Collection method: clinical testing. Allele origin: germline.

GeneDx
Classification: Likely benign. Last evaluated: 2020-07-20. Review status: criteria provided, single submitter. Criteria: GeneDx Variant Classification Process June 2021. Collection method: clinical testing. Allele origin: germline. Affected: yes.

Breakthrough Genomics
Classification: Likely benign. Review status: criteria provided, single submitter. Criteria: ACMG Guidelines, 2015. Collection method: not provided. Allele origin: germline. Inheritance: Autosomal recessive inheritance. Affected: yes.

PreventionGenetics, part of Exact Sciences
Classification: Likely benign for COL12A1-related condition. Last evaluated: 2023-12-21. Review status: no assertion criteria provided. Collection method: clinical testing. Allele origin: germline. Not counted in ClinVar's aggregate classification.
Comment: This variant is classified as likely benign based on ACMG/AMP sequence variant interpretation guidelines (Richards et al. 2015 PMID: 25741868, with internal and published modifications).